The following is an entry in ClinVar:

ClinVar aggregate classification (germline): Uncertain significance (1 of 4 stars; one submission).

Conditions:
Charcot-Marie-Tooth disease type 2. Also called: Charcot-Marie-Tooth type 2. Identifiers: Orphanet 64746, MedGen C0270914, MONDO:0018993.

gnomAD v4.1: 1 of 1,614,026 alleles (0.000062%); highest among the groups gnomAD compares: Non-Finnish European, 0.000085%; no homozygotes.

Submission:

Labcorp Genetics (formerly Invitae), Labcorp
Classification: Uncertain significance for Charcot-Marie-Tooth disease type 2. Last evaluated: 2025-06-17. Review status: criteria provided, single submitter. Criteria: Invitae Variant Classification Sherloc (09022015). Collection method: clinical testing. Allele origin: germline.
Comment: This sequence change replaces arginine, which is basic and polar, with leucine, which is neutral and non-polar, at codon 510 of the AARS protein (p.Arg510Leu). This variant is present in population databases (no rsID available, gnomAD 0.0009%). This variant has not been reported in the literature in individuals affected with AARS-related conditions. ClinVar contains an entry for this variant (Variation ID: 2730875). Invitae Evidence Modeling of protein sequence and biophysical properties (such as structural, functional, and spatial information, amino acid conservation, physicochemical variation, residue mobility, and thermodynamic stability) indicates that this missense variant is not expected to disrupt AARS protein function with a negative predictive value of 95%. In summary, the available evidence is currently insufficient to determine the role of this variant in disease. Therefore, it has been classified as a Variant of Uncertain Significance.

NM_001605.3(AARS1):c.1529G>T (p.Arg510Leu)

Gene: AARS1 (alanyl-tRNA synthetase 1; minus strand). Cytogenetic location: 16q22.1.
Variant type: single nucleotide variant.
Coding change: c.1529G>T on transcript NM_001605.3 (MANE Select); coding-DNA position 1529, G replaced by T.
Protein change: p.Arg510Leu; replaces arginine 510 with leucine.
Molecular consequence: missense variant.
Genome position (GRCh38, 1-based): chr16:70,262,488, C>A on the plus strand (G>T on the coding strand, the complement: AARS1 is on the minus strand). VCF-style: chr16-70262488-C-A. GRCh37 (hg19) VCF-style: chr16-70296391-C-A.
Other names: short protein forms R510L.
Identifiers: ClinVar variation 2730875 (VCV002730875.3), dbSNP rs202176955, ClinGen allele CA396560306.